The following is an entry in ClinVar:

NM_000057.4(BLM):c.662C>T (p.Thr221Ile)

Gene: BLM (BLM RecQ like helicase; plus strand). Cytogenetic location: 15q26.1.
Variant type: single nucleotide variant.
Coding change: c.662C>T on transcript NM_000057.4 (MANE Select); coding-DNA position 662, C replaced by T.
Protein change: p.Thr221Ile; replaces threonine 221 with isoleucine.
Molecular consequence: missense variant. On other transcripts: 5 prime UTR variant (1).
Genome position (GRCh38, 1-based): chr15:90,749,930, C>T. VCF-style: chr15-90749930-C-T. GRCh37 (hg19) VCF-style: chr15-91293160-C-T.
Other names: c.662C>T, p.Thr221Ile (NM_001287246.2, NM_001287247.2); c.-630C>T (NM_001287248.2); short protein forms T221I.
Identifiers: ClinVar variation 4622833 (VCV004622833.1).

ClinVar aggregate classification (germline): Uncertain significance (1 of 4 stars; one submission).

Conditions:
Hereditary cancer-predisposing syndrome. Also called: Neoplastic Syndromes, Hereditary; Tumor predisposition; Hereditary Cancer Syndrome; Hereditary neoplastic syndrome. Identifiers: Orphanet 140162, MedGen C0027672, MeSH D009386, MONDO:0015356.

Submission:

Ambry Genetics
Classification: Uncertain significance for Hereditary cancer-predisposing syndrome. Last evaluated: 2025-11-15. Review status: criteria provided, single submitter. Criteria: Ambry Variant Classification Scheme 2023. Collection method: clinical testing. Allele origin: germline.
Comment: The p.T221I variant (also known as c.662C>T), located in coding exon 2 of the BLM gene, results from a C to T substitution at nucleotide position 662. The threonine at codon 221 is replaced by isoleucine, an amino acid with similar properties. This amino acid position is conserved. In addition, this alteration is predicted to be tolerated by in silico analysis. Based on the available evidence, the clinical significance of this variant remains unclear.